The following is an entry in ClinVar:

NC_000020.11:g.54174265T>C

Gene: CYP24A1 (cytochrome P450 family 24 subfamily A member 1; minus strand). Cytogenetic location: 20q13.2.
Variant type: single nucleotide variant.
Genome position: GRCh38 VCF-style: chr20-54174265-T-C. GRCh37 (hg19) VCF-style: chr20-52790804-T-C.
Identifiers: ClinVar variation 1678753 (VCV001678753.3), dbSNP rs111622401, ClinGen allele CA316160202.
Genomic context (GRCh38, chr20:54,174,265, plus strand): 5'-GTGGGGGCGGCAGACTCCACCCCGGAGATAACCCCCAGGAAGTCATGCGAAGCCCGGAGT[T>C]CACCGGGTGTGCTTCGAACGCGCCTCCCCGCCCTCCCCCGGCGGGCAGGAGCCGGCAGCG-3'

ClinVar aggregate classification (germline): Likely benign (1 of 4 stars; one submission).

Allele frequency attached by ClinVar (database versions not stated): gnomAD 0.01169 and 0.01265; TOPMed 0.01330; 1000 Genomes Project 30x 0.01483; 1000 Genomes Project 0.01498.

Submission:

GeneDx
Classification: Likely benign. Last evaluated: 2020-04-09. Review status: criteria provided, single submitter. Criteria: GeneDx Variant Classification Process June 2021. Collection method: clinical testing. Allele origin: germline. Affected: yes.
Comment: See Variant Classification Assertion Criteria.